The following is an entry in ClinVar:

NM_014014.5(SNRNP200):c.2729T>C (p.Val910Ala)

Gene: SNRNP200 (small nuclear ribonucleoprotein U5 subunit 200; minus strand). Cytogenetic location: 2q11.2.
Variant type: single nucleotide variant.
Coding change: c.2729T>C on transcript NM_014014.5 (MANE Select); coding-DNA position 2729, T replaced by C.
Protein change: p.Val910Ala; replaces valine 910 with alanine.
Molecular consequence: missense variant.
Genome position (GRCh38, 1-based): chr2:96,290,339, A>G on the plus strand (T>C on the coding strand, the complement: SNRNP200 is on the minus strand). VCF-style: chr2-96290339-A-G. GRCh37 (hg19) VCF-style: chr2-96956077-A-G.
Other names: short protein forms V910A.
Identifiers: ClinVar variation 2851720 (VCV002851720.3), dbSNP rs2467335843, ClinGen allele CA347675996.

ClinVar aggregate classification (germline): Uncertain significance (1 of 4 stars; one submission).

Submission:

Labcorp Genetics (formerly Invitae), Labcorp
Classification: Uncertain significance. Last evaluated: 2023-04-16. Review status: criteria provided, single submitter. Criteria: Invitae Variant Classification Sherloc (09022015). Collection method: clinical testing. Allele origin: germline.
Comment: This sequence change replaces valine, which is neutral and non-polar, with alanine, which is neutral and non-polar, at codon 910 of the SNRNP200 protein (p.Val910Ala). This variant is not present in population databases (gnomAD no frequency). This variant has not been reported in the literature in individuals affected with SNRNP200-related conditions. Advanced modeling of protein sequence and biophysical properties (such as structural, functional, and spatial information, amino acid conservation, physicochemical variation, residue mobility, and thermodynamic stability) performed at Invitae indicates that this missense variant is expected to disrupt SNRNP200 protein function. In summary, the available evidence is currently insufficient to determine the role of this variant in disease. Therefore, it has been classified as a Variant of Uncertain Significance.